The following is an entry in ClinVar:

ClinVar aggregate classification (germline): Likely pathogenic (1 of 4 stars; one submission).

Conditions:
Ellis-van Creveld syndrome (EVC). Also called: Chondroectodermal dysplasia; MESOECTODERMAL DYSPLASIA. Identifiers: Orphanet 289, MedGen C0013903, MONDO:0009162, OMIM 225500.

Submission:

Juno Genomics, Hangzhou Juno Genomics, Inc
Classification: Likely pathogenic for Ellis-van Creveld syndrome. Review status: criteria provided, single submitter. Criteria: ACMG Guidelines, 2015. Collection method: clinical testing. Allele origin: germline.
Comment: Null variant in a gene where loss of function (LOF) is a known mechanism of disease.;Absent from controls (or at extremely low frequency if recessive) in Genome Aggregation Database.

NM_147127.5(EVC2):c.844del (p.Ser282fs)

Gene: EVC2 (EvC ciliary complex subunit 2; minus strand). Cytogenetic location: 4p16.2.
Variant type: Deletion.
Coding change: c.844del on transcript NM_147127.5 (MANE Select); coding-DNA position 844, one base deleted (T; older notation c.844delT).
Protein change: p.Ser282fs; shifts the reading frame from serine 282.
Molecular consequence: frameshift variant.
Genome position (GRCh38, 1-based): chr4:5,681,286, A deleted on the plus strand (T on the coding strand, the reverse complement: EVC2 is on the minus strand); the first of 6 consecutive A bases (chr4:5,681,286-5,681,291); deleting any one gives the same sequence. VCF-style (leftmost placement, unchanged base first): chr4-5681285-GA-G. GRCh37 (hg19) VCF-style: chr4-5683012-GA-G.
Other names: c.604del, p.Ser202fs (NM_001166136.2); short protein forms S282fs, S202fs.
Identifiers: ClinVar variation 5006780 (VCV005006780.2).